The following is an entry in ClinVar:

ClinVar aggregate classification (germline): Uncertain significance (1 of 4 stars; one submission).

Conditions:
Glycogen storage disease, type II (IOPD). Also called: Pompe Disease; CARDIOMEGALIA GLYCOGENICA DIFFUSA; GLYCOGENOSIS, GENERALIZED, CARDIAC FORM; GSD II; POMPE DISEASE, INFANTILE-ONSET; GLYCOGEN STORAGE DISEASE II, INFANTILE-ONSET. Identifiers: Orphanet 365, MedGen C0017921, MONDO:0009290, OMIM 232300.

Submission:

Genomenon, Inc
Classification: Uncertain significance for Glycogen storage disease, type II. Last evaluated: 2026-07-01. Review status: criteria provided, single submitter. Criteria: Genomenon Sequence Variant Interpretation Standards - Updated. Collection method: curation. Allele origin: germline. Affected: no.
Comment: GAA p.His201Leu (c.602A>T) is a missense variant that changes the amino acid at codon 201 from Histidine to Leucine. This variant has been reported in the published literature (PMID:21963446). It is absent or not present at a significant frequency in gnomAD. In silico models predict that this variant is not damaging. In conclusion, we classify GAA p.His201Leu (c.602A>T) as a variant of uncertain significance.

Literature cited by the submitters: PubMed 21963446.

NM_000152.5(GAA):c.602A>T (p.His201Leu)

Gene: GAA (alpha glucosidase; plus strand). Cytogenetic location: 17q25.3.
Variant type: single nucleotide variant.
Coding change: c.602A>T on transcript NM_000152.5 (MANE Select); coding-DNA position 602, A replaced by T.
Protein change: p.His201Leu; replaces histidine 201 with leucine.
Molecular consequence: missense variant.
Genome position (GRCh38, 1-based): chr17:80,105,804, A>T. VCF-style: chr17-80105804-A-T. GRCh37 (hg19) VCF-style: chr17-78079603-A-T.
Other names: c.602A>T, p.His201Leu (NM_001079803.3, NM_001079804.3, NM_001406741.1 and 1 more transcripts); short protein forms H201L.
Identifiers: ClinVar variation 4876542 (VCV004876542.1).